The following is an entry in ClinVar:

NM_019014.6(POLR1B):c.1231A>G (p.Met411Val)

Gene: POLR1B (RNA polymerase I subunit B; plus strand). Cytogenetic location: 2q14.1.
Variant type: single nucleotide variant.
Coding change: c.1231A>G on transcript NM_019014.6 (MANE Select); coding-DNA position 1231, A replaced by G.
Protein change: p.Met411Val; replaces methionine 411 with valine.
Molecular consequence: missense variant. On other transcripts: intron variant (1).
Genome position (GRCh38, 1-based): chr2:112,557,982, A>G. VCF-style: chr2-112557982-A-G. GRCh37 (hg19) VCF-style: chr2-113315559-A-G.
Other names: c.1063A>G, p.Met355Val (NM_001137604.3, NM_032212.2); c.1345A>G, p.Met449Val (NM_001282772.2); c.598A>G, p.Met200Val (NM_001282776.2, NM_001371971.1); c.814A>G, p.Met272Val (NM_001282777.2, NM_001282779.2, NM_001371970.1); c.1231A>G, p.Met411Val (NM_001371969.1); c.1158+5166A>G (NM_001282774.2); short protein forms M200V, M272V, M355V, M411V, M449V.
Identifiers: ClinVar variation 1806005 (VCV001806005.1), dbSNP rs1361356775, ClinGen allele CA348269249.

ClinVar aggregate classification (germline): Uncertain significance (1 of 4 stars; one submission).

Conditions:
Treacher Collins syndrome 4. Identifiers: MedGen C5394546, MONDO:0030067, OMIM 618939.

Allele frequency attached by ClinVar (database versions not stated): gnomAD exomes below 0.00001; TOPMed below 0.00001.
gnomAD v4.1: 4 of 1,419,452 alleles (0.00028%); highest among the groups gnomAD compares: Non-Finnish European, 0.00028%; no homozygotes.

Submission:

Victorian Clinical Genetics Services, Murdoch Childrens Research Institute
Classification: Uncertain significance for Treacher Collins syndrome 4. Last evaluated: 2022-09-02. Review status: criteria provided, single submitter. Criteria: ACMG Guidelines, 2015. Collection method: clinical testing. Allele origin: germline. Inheritance: Autosomal dominant inheritance. Affected: yes.
Comment: Based on the classification scheme VCGS_Germline_v1.3.4, this variant is classified as VUS-3C. Following criteria are met: 0105 - The mechanism of disease for this gene is not clearly established. (I) 0107 - This gene is associated with autosomal dominant disease. (I) 0200 - Variant is predicted to result in a missense amino acid change from methionine to valine. (I) 0219 - This variant is non-coding in a single alternative transcript (NM_001282774.2; UCSC). (I) 0251 - This variant is heterozygous. (I) 0301 - Variant is absent from gnomAD (both v2 and v3). (SP) 0309 - An alternative amino acid change at the same position has been observed in gnomAD (v2) (1 heterozygote, 0 homozygotes). (I) 0503 - Missense variant consistently predicted to be tolerated by multiple in silico tools or not conserved in placental mammals with a minor amino acid change. (SB) 0600 - Variant is located in the annotated RNA_pol_Rpb2_1 domain (DECIPHER). (I) 0705 - No comparable missense variants have previous evidence for pathogenicity. (I) 0807 - This variant has no previous evidence of pathogenicity. (I) 0905 - No published segregation evidence has been identified for this variant. (I) 1007 - No published functional evidence has been identified for this variant. (I) 1208 - Inheritance information for this variant is not currently available in this individual. (I) Legend: (SP) - Supporting pathogenic, (I) - Information, (SB) - Supporting benign